The following is an entry in ClinVar:

NM_001318852.2(MAPK8IP3):c.2572G>A (p.Val858Met)

Gene: MAPK8IP3 (mitogen-activated protein kinase 8 interacting protein 3; plus strand). Cytogenetic location: 16p13.3.
Variant type: single nucleotide variant.
Coding change: c.2572G>A on transcript NM_001318852.2 (MANE Select); coding-DNA position 2572, G replaced by A.
Protein change: p.Val858Met; replaces valine 858 with methionine.
Molecular consequence: missense variant.
Genome position (GRCh38, 1-based): chr16:1,766,085, G>A. VCF-style: chr16-1766085-G-A. GRCh37 (hg19) VCF-style: chr16-1816086-G-A.
Other names: c.2551G>A, p.Val851Met (NM_001040439.2); c.2569G>A, p.Val857Met (NM_015133.5, NM_033392.3); c.2572G>A (NM_001318852.1); short protein forms V858M, V857M, V851M.
Identifiers: ClinVar variation 2398173 (VCV002398173.6), dbSNP rs886313797, ClinGen allele CA276720588.

ClinVar aggregate classification (germline): Uncertain significance. Review status: criteria provided, multiple submitters, no conflicts (2 of 4 stars). 3 submissions from 3 submitters: Uncertain significance (2). 1 of the submissions does not count toward it. Last evaluated 2024-02-27.

Conditions:
MAPK8IP3-related disorder. Also called: MAPK8IP3-related condition.
Inborn genetic diseases. Identifiers: MedGen C0950123, MeSH D030342.

Allele frequency attached by ClinVar (database versions not stated): gnomAD 0.00001; TOPMed 0.00002.
gnomAD v4.1: 44 of 1,612,774 alleles (0.0027%); highest among the groups gnomAD compares: Admixed American, 0.015%; no homozygotes.

Submissions (3):

Women's Health and Genetics/Laboratory Corporation of America, LabCorp
Classification: Uncertain significance. Last evaluated: 2024-02-27. Review status: criteria provided, single submitter. Criteria: LabCorp Variant Classification Summary - May 2015. Collection method: clinical testing. Allele origin: germline.
Comment: Variant summary: MAPK8IP3 c.2569G>A (p.Val857Met) results in a conservative amino acid change in the encoded protein sequence. Three of five in-silico tools predict a benign effect of the variant on protein function. The variant allele was found at a frequency of 2.7e-05 in 1612774 control chromosomes. This frequency does not allow for any conclusion about variant significance. There are many heterozygotes reported in gnomAD, and Neurodevelopmental Disorder With Or Without Variable Brain Abnormalities; NEDBA is expected to result in poor or absent speech, supporting a benign role for this variant. Given the variable severity of all other phenotypes associated with this condition, however, the variant cannot be unequivocally classified on the benign spectrum at this time. To our knowledge, no occurrence of c.2569G>A in individuals affected with Neurodevelopmental Disorder With Or Without Variable Brain Abnormalities; NEDBA and no experimental evidence demonstrating its impact on protein function have been reported. ClinVar contains an entry for this variant (Variation ID: 2398173). Based on the evidence outlined above, the variant was classified as VUS-possibly benign.

Ambry Genetics
Classification: Uncertain significance for Inborn genetic diseases. Last evaluated: 2021-06-29. Review status: criteria provided, single submitter. Criteria: Ambry Variant Classification Scheme 2023. Collection method: clinical testing. Allele origin: germline.

PreventionGenetics, part of Exact Sciences
Classification: Likely benign for MAPK8IP3-related condition. Last evaluated: 2023-05-17. Review status: no assertion criteria provided. Collection method: clinical testing. Allele origin: germline. Not counted in ClinVar's aggregate classification.
Comment: This variant is classified as likely benign based on ACMG/AMP sequence variant interpretation guidelines (Richards et al. 2015 PMID: 25741868, with internal and published modifications).